The following is an entry in ClinVar:

ClinVar aggregate classification (germline): Uncertain significance (1 of 4 stars; one submission).

Conditions:
Glucose-6-phosphate transport defect (GSD1B). Also called: Glycogen Storage Disease Type Ib; GSD Ib. Identifiers: Orphanet 364, Orphanet 79259, MedGen C0268146, MONDO:0009288, OMIM 232220.

Allele frequency attached by ClinVar (database versions not stated): gnomAD exomes below 0.00001 and 0.00003; TOPMed below 0.00001; gnomAD 0.00001.

Submission:

Labcorp Genetics (formerly Invitae), Labcorp
Classification: Uncertain significance for Glucose-6-phosphate transport defect. Last evaluated: 2023-12-11. Review status: criteria provided, single submitter. Criteria: Invitae Variant Classification Sherloc (09022015). Collection method: clinical testing. Allele origin: germline.
Comment: This sequence change replaces phenylalanine, which is neutral and non-polar, with serine, which is neutral and polar, at codon 108 of the SLC37A4 protein (p.Phe108Ser). This variant is present in population databases (no rsID available, gnomAD 0.003%). This variant has not been reported in the literature in individuals affected with SLC37A4-related conditions. ClinVar contains an entry for this variant (Variation ID: 1053046). Advanced modeling of protein sequence and biophysical properties (such as structural, functional, and spatial information, amino acid conservation, physicochemical variation, residue mobility, and thermodynamic stability) performed at Invitae indicates that this missense variant is not expected to disrupt SLC37A4 protein function with a negative predictive value of 80%. In summary, the available evidence is currently insufficient to determine the role of this variant in disease. Therefore, it has been classified as a Variant of Uncertain Significance.

NM_001164277.2(SLC37A4):c.323T>C (p.Phe108Ser)

Gene: SLC37A4 (solute carrier family 37 member 4; minus strand). Cytogenetic location: 11q23.3.
Variant type: single nucleotide variant.
Coding change: c.323T>C on transcript NM_001164277.2 (MANE Select); coding-DNA position 323, T replaced by C.
Protein change: p.Phe108Ser; replaces phenylalanine 108 with serine.
Molecular consequence: missense variant.
Genome position (GRCh38, 1-based): chr11:119,028,252, A>G on the plus strand (T>C on the coding strand, the complement: SLC37A4 is on the minus strand). VCF-style: chr11-119028252-A-G. GRCh37 (hg19) VCF-style: chr11-118898962-A-G.
Other names: c.323T>C, p.Phe108Ser (NM_001164278.2, NM_001164280.2, NM_001467.6); c.104T>C, p.Phe35Ser (NM_001164279.2); short protein forms F108S, F35S.
Identifiers: ClinVar variation 1053046 (VCV001053046.7), dbSNP rs1210339491, ClinGen allele CA382904844.
Genomic context (GRCh38, chr11:119,028,252, plus strand): 5'-ACCTTCCGCAGGACCTTCCCACATGGGGGCCAGCCCAGCCCCTGGGCCAGGCCATTAAGG[A>G]ACCAGAGGGCAGCAAAGACAGGTACTGTGGAGCTCCAGGCAAAGAATATGTTGACCAGGC-3'
Protein context (NP_001157749.1, residues 98-118): STVPVFAALW[Phe108Ser]LNGLAQGLGW